The following is an entry in ClinVar:

ClinVar aggregate classification (germline): Conflicting classifications of pathogenicity. Review status: criteria provided, conflicting classifications (1 of 4 stars). 7 submissions from 7 submitters: Uncertain significance (5); Likely benign (1). 1 of the submissions does not count toward it. Last evaluated 2025-05-19.

Conditions:
Hereditary breast ovarian cancer syndrome. Also called: Hereditary breast and ovarian cancer; Hereditary breast and ovarian cancer syndrome; Breast and ovarian cancer; Hereditary breast and ovarian cancer syndrome (HBOC); Hereditary breast and/or ovarian cancer syndrome; BRCA1- and BRCA2-Associated Hereditary Breast and Ovarian Cancer. Identifiers: Orphanet 145, MedGen C0677776, MeSH D061325, MONDO:0003582. Disease mechanism: loss of function.
Hereditary cancer-predisposing syndrome. Also called: Hereditary Cancer Syndrome; Neoplastic Syndromes, Hereditary; Tumor predisposition; Hereditary neoplastic syndrome. Identifiers: Orphanet 140162, MedGen C0027672, MeSH D009386, MONDO:0015356.
Breast-ovarian cancer, familial, susceptibility to, 2 (BROVCA2). Also called: BRCA2 Hereditary Breast and Ovarian Cancer. Identifiers: Orphanet 145, MedGen C2675520, MONDO:0012933, OMIM 612555. Disease mechanism: loss of function.
Malignant tumor of breast. Also called: Cancer breast; Malignant breast neoplasm. Identifiers: MedGen C0006142, MONDO:0007254. Disease mechanism: loss of function.

Allele frequency attached by ClinVar (database versions not stated): gnomAD exomes below 0.00001; TOPMed below 0.00001; gnomAD 0.00001.
gnomAD v4.1: 2 of 1,584,562 alleles (0.00013%); highest among the groups gnomAD compares: Non-Finnish European, 0.00017%; no homozygotes.

Submissions (7):

Labcorp Genetics (formerly Invitae), Labcorp
Classification: Uncertain significance for Hereditary breast ovarian cancer syndrome. Last evaluated: 2025-05-19. Review status: criteria provided, single submitter. Criteria: Invitae Variant Classification Sherloc (09022015). Collection method: clinical testing. Allele origin: germline.
Comment: This sequence change replaces threonine, which is neutral and polar, with isoleucine, which is neutral and non-polar, at codon 1707 of the BRCA2 protein (p.Thr1707Ile). This variant is not present in population databases (gnomAD no frequency). This variant has not been reported in the literature in individuals affected with BRCA2-related conditions. ClinVar contains an entry for this variant (Variation ID: 185662). Invitae Evidence Modeling of protein sequence and biophysical properties (such as structural, functional, and spatial information, amino acid conservation, physicochemical variation, residue mobility, and thermodynamic stability) indicates that this missense variant is not expected to disrupt BRCA2 protein function with a negative predictive value of 95%. In summary, the available evidence is currently insufficient to determine the role of this variant in disease. Therefore, it has been classified as a Variant of Uncertain Significance.

Ambry Genetics
Classification: Uncertain significance for Hereditary cancer-predisposing syndrome. Last evaluated: 2023-08-23. Review status: criteria provided, single submitter. Criteria: Ambry Variant Classification Scheme 2023. Collection method: clinical testing. Allele origin: germline.
Comment: The p.T1707I variant (also known as c.5120C>T), located in coding exon 10 of the BRCA2 gene, results from a C to T substitution at nucleotide position 5120. The threonine at codon 1707 is replaced by isoleucine, an amino acid with similar properties. This amino acid position is not well conserved in available vertebrate species. In addition, this alteration is predicted to be tolerated by in silico analysis. Since supporting evidence is limited at this time, the clinical significance of this alteration remains unclear.

University of Washington Department of Laboratory Medicine, University of Washington
Classification: Likely benign for Hereditary cancer-predisposing syndrome. Last evaluated: 2023-03-23. Review status: criteria provided, single submitter. Criteria: Dines et al. (Genet Med. 2020). Collection method: curation. Allele origin: germline.
Comment: Missense variant in a coldspot region where missense variants are very unlikely to be pathogenic (PMID:31911673).

BRCA2 exon 11 coldspot. Reclassification based on statistical prior probability.

Color Diagnostics, LLC DBA Color Health
Classification: Uncertain significance for Hereditary cancer-predisposing syndrome. Last evaluated: 2019-11-22. Review status: criteria provided, single submitter. Criteria: ACMG Guidelines, 2015. Collection method: clinical testing. Allele origin: germline.
Comment: This missense variant replaces threonine with isoleucine at codon 1707 of the BRCA2 protein. Computational prediction suggests that this variant may not impact protein structure and function (internally defined REVEL score threshold <= 0.5, PMID: 27666373). Splice site prediction tools suggest that this variant may not impact RNA splicing. To our knowledge, functional studies have not been performed for this variant. This variant has not been reported in individuals affected with hereditary cancer in the literature. This variant has not been identified in the general population by the Genome Aggregation Database (gnomAD). The available evidence is insufficient to determine the role of this variant in disease conclusively. Therefore, this variant is classified as a Variant of Uncertain Significance.

Mendelics
Classification: Uncertain significance for Breast-ovarian cancer, familial, susceptibility to, 2. Last evaluated: 2019-05-28. Review status: criteria provided, single submitter. Criteria: Mendelics Assertion Criteria 2017. Collection method: clinical testing. Allele origin: unknown.

GeneDx
Classification: Uncertain significance. Last evaluated: 2016-11-18. Review status: criteria provided, single submitter. Criteria: GeneDx Variant Classification (06012015). Collection method: clinical testing. Allele origin: germline. Affected: yes.
Comment: This variant is denoted BRCA2 c.5120C>T at the cDNA level, p.Thr1707Ile (T1707I) at the protein level, and results in the change of a Threonine to an Isoleucine (ACT>ATT). Using alternate nomenclature, this variant would be defined as BRCA2 5348C>T. This variant has not, to our knowledge, been published in the literature as pathogenic or benign. BRCA2 Thr1707Ile was not observed in approximately 6,500 individuals of European and African American ancestry in the NHLBI Exome Sequencing Project, suggesting it is not a common benign variant in these populations. Since Threonine and Isoleucine differ in polarity, charge, size or other properties, this is considered a non-conservative amino acid substitution. BRCA2 Thr1707Ile occurs at a position that is not conserved and is located in the RAD51 binding domain and POLH binding domain (Roy 2012, Buisson 2014). In silico analyses are inconsistent regarding the effect this variant may have on protein structure and function. Based on currently available evidence, it is unclear whether BRCA2 Thr1707Ile is a pathogenic or benign variant. We consider it to be a variant of uncertain significance.

Department of Pathology and Laboratory Medicine, Sinai Health System
Classification: Uncertain significance for Malignant tumor of breast. Review status: no assertion criteria provided. Collection method: clinical testing. Allele origin: unknown. Affected: yes. Study: The Canadian Open Genetics Repository (COGR). Not counted in ClinVar's aggregate classification.
Comment: The BRCA2 p.Thr1707Ile variant was not identified in the literature and has not been previously identified by our laboratory. The variant was not identified in any databases searched, including dbSNP, NHLBI Exome Sequencing Project (Exome Variant Server), HGMD, LOVD, COSMIC, UMD, ClinVar, and BIC. The p.Thr1707 residue is not conserved in mammals and computational analyses (PolyPhen-2, SIFT, AlignGVGD, BLOSUM, MutationTaster) provide inconsistent predictions regarding the impact to the protein; this information is not very predictive of pathogenicity. In summary, based on the above information, the clinical significance of this variant cannot be determined with certainty at this time. This variant is classified as a variant of unknown significance.

NM_000059.4(BRCA2):c.5120C>T (p.Thr1707Ile)

Gene: BRCA2 (BRCA2 DNA repair associated; plus strand). Cytogenetic location: 13q13.1.
Variant type: single nucleotide variant.
Coding change: c.5120C>T on transcript NM_000059.4 (MANE Select); coding-DNA position 5120, C replaced by T.
Protein change: p.Thr1707Ile; replaces threonine 1707 with isoleucine.
Molecular consequence: missense variant.
Genome position (GRCh38, 1-based): chr13:32,339,475, C>T. VCF-style: chr13-32339475-C-T. GRCh37 (hg19) VCF-style: chr13-32913612-C-T.
Other names: short protein forms T1707I.
Identifiers: ClinVar variation 185662 (VCV000185662.26), dbSNP rs786202354, ClinGen allele CA021317.
Genomic context (GRCh38, chr13:32,339,475, plus strand): 5'-TTGAAGCAAAAAAATGGCTTAGAGAAGGAATATTTGATGGTCAACCAGAAAGAATAAATA[C>T]TGCAGATTATGTAGGAAATTATTTGTATGAAAATAATTCAAACAGTACTATAGCTGAAAA-3'
Protein context (NP_000050.3, residues 1697-1717): IFDGQPERIN[Thr1707Ile]ADYVGNYLYE